The following is an entry in ClinVar:

NM_133261.3(GIPC3):c.66C>T (p.Pro22=)

Gene: GIPC3 (GIPC PDZ domain containing family member 3; plus strand). Cytogenetic location: 19p13.3.
Variant type: single nucleotide variant.
Coding change: c.66C>T on transcript NM_133261.3 (MANE Select); coding-DNA position 66, C replaced by T.
Protein change: p.Pro22=; no amino-acid change (proline 22 retained).
Molecular consequence: synonymous variant.
Genome position (GRCh38, 1-based): chr19:3,585,663, C>T. VCF-style: chr19-3585663-C-T. GRCh37 (hg19) VCF-style: chr19-3585661-C-T.
Identifiers: ClinVar variation 517599 (VCV000517599.31), dbSNP rs1269578352, ClinGen allele CA504967628.

ClinVar aggregate classification (germline): Likely benign. Review status: criteria provided, multiple submitters, no conflicts (2 of 4 stars). 3 submissions from 3 submitters: Likely benign (3). Last evaluated 2026-08-01.

Allele frequency attached by ClinVar (database versions not stated): TOPMed 0.00002.
gnomAD v4.1: 54 of 1,246,726 alleles (0.0043%); highest among the groups gnomAD compares: East Asian, 0.037%; no homozygotes.

Submissions (3):

CeGaT Center for Human Genetics Tuebingen
Classification: Likely benign. Last evaluated: 2026-08-01. Review status: criteria provided, single submitter. Criteria: CeGaT Center For Human Genetics Tuebingen Variant Classification Criteria Version 2. Collection method: clinical testing. Allele origin: germline. Affected: yes. Observed: 2 variant alleles.
Comment: GIPC3: BP4, BP7

Labcorp Genetics (formerly Invitae), Labcorp
Classification: Likely benign. Last evaluated: 2022-05-27. Review status: criteria provided, single submitter. Criteria: Invitae Variant Classification Sherloc (09022015). Collection method: clinical testing. Allele origin: germline.

Laboratory for Molecular Medicine, Mass General Brigham Personalized Medicine
Classification: Likely benign. Last evaluated: 2017-10-24. Review status: criteria provided, single submitter. Criteria: LMM Criteria. Collection method: clinical testing. Allele origin: germline. Observed: 1 variant allele.
Comment: p.Pro22Pro in exon 1 of GIPC3: This variant is not expected to have clinical sig nificance because it does not alter an amino acid residue and is not located wit hin the splice consensus sequence.